The following is an entry in ClinVar:

NM_002206.3(ITGA7):c.1088dup (p.His364fs)

Gene: ITGA7 (integrin subunit alpha 7; minus strand). Cytogenetic location: 12q13.2.
Variant type: Duplication.
Coding change: c.1088dup on transcript NM_002206.3 (MANE Select); coding-DNA position 1088, one base duplicated (G; older notation c.1088dupG).
Protein change: p.His364fs; shifts the reading frame from histidine 364.
Molecular consequence: frameshift variant. On other transcripts: 5 prime UTR variant (1).
Genome position (GRCh38, 1-based): chr12:55,698,487, C duplicated on the plus strand (G on the coding strand, the reverse complement: ITGA7 is on the minus strand); the first of 6 consecutive C bases (chr12:55,698,487-55,698,492); duplicating any one gives the same sequence. VCF-style (leftmost placement, unchanged base first): chr12-55698486-A-AC. GRCh37 (hg19) VCF-style: chr12-56092270-A-AC.
Other names: c.1100dup, p.His368fs (NM_001144996.2); c.804dup, p.His271Serfs (NM_001144997.2); c.761dup, p.His255fs (NM_001367993.1); c.-205dup (NM_001367994.1); c.1088dup, p.His364fs (NM_001374465.1); c.1215dup, p.His408Serfs (NM_001410977.1); c.1095dup, p.His368Serfs (NM_001414029.1); c.963dup, p.His324Serfs (NM_001414032.1); and 3 more; short protein forms H364fs, H255fs, H271fs, H368fs.
Identifiers: ClinVar variation 129291 (VCV000129291.15), dbSNP rs587780362, ClinGen allele CA153197.

ClinVar aggregate classification (germline): Pathogenic/Likely pathogenic. Review status: criteria provided, multiple submitters, no conflicts (2 of 4 stars). 4 submissions from 4 submitters: Pathogenic (3); Likely pathogenic (1). Last evaluated 2025-05-31.

Conditions:
Congenital muscular dystrophy due to integrin alpha-7 deficiency. Also called: Congenital muscular dystrophy with integrin alpha-7 deficiency; Muscular dystrophy, congenital, due to ITGA7 deficiency; MYOPATHY, CONGENITAL, DUE TO INTEGRIN ALPHA-7 DEFICIENCY. Identifiers: Orphanet 34520, MedGen C2750786, MONDO:0013177, OMIM 613204.

Submissions (4):

GeneDx
Classification: Pathogenic. Last evaluated: 2025-05-31. Review status: criteria provided, single submitter. Criteria: GeneDx Variant Classification Process June 2021. Collection method: clinical testing. Allele origin: germline. Affected: yes.
Comment: Frameshift variant predicted to result in protein truncation or nonsense mediated decay in a gene for which loss-of-function is a known mechanism of disease; Not observed at significant frequency in large population cohorts (gnomAD); This variant is associated with the following publications: (PMID: 36168044, 34552617)

Labcorp Genetics (formerly Invitae), Labcorp
Classification: Pathogenic for Congenital muscular dystrophy due to integrin alpha-7 deficiency. Last evaluated: 2024-02-23. Review status: criteria provided, single submitter. Criteria: Invitae Variant Classification Sherloc (09022015). Collection method: clinical testing. Allele origin: germline.
Comment: This sequence change creates a premature translational stop signal (p.His364Serfs*15) in the ITGA7 gene. It is expected to result in an absent or disrupted protein product. Loss-of-function variants in ITGA7 are known to be pathogenic (PMID: 9590299). This variant is present in population databases (rs587780362, gnomAD 0.003%). This premature translational stop signal has been observed in individual(s) with congenital muscular dystrophy (PMID: 34552617). ClinVar contains an entry for this variant (Variation ID: 129291). For these reasons, this variant has been classified as Pathogenic.

Revvity Omics, Revvity
Classification: Likely pathogenic for Congenital muscular dystrophy due to integrin alpha-7 deficiency. Last evaluated: 2019-09-30. Review status: criteria provided, single submitter. Criteria: ACMG Guidelines, 2015. Collection method: clinical testing. Allele origin: germline.

Genetic Services Laboratory, University of Chicago
Classification: Pathogenic for Muscular dystrophy, congenital, due to ITGA7 deficiency. Last evaluated: 2013-11-05. Review status: criteria provided, single submitter. Criteria: ACMG Guidelines, 2007. Collection method: clinical testing. Allele origin: germline. Inheritance: Autosomal recessive inheritance. Affected: yes.

Literature cited by the submitters: PubMed 9590299 (cited by Labcorp Genetics (formerly Invitae), Labcorp); PubMed 34552617 (cited by Labcorp Genetics (formerly Invitae), Labcorp).